The following is an entry in ClinVar:

ClinVar aggregate classification (germline): Likely pathogenic (1 of 4 stars; one submission).

Conditions:
ACCES syndrome (ACCES). Also called: APLASIA CUTIS CONGENITA WITH ECTRODACTYLY SKELETAL SYNDROME. Identifiers: MedGen C5677019, MONDO:0859262, OMIM 619959.

Submission:

Division of Genetic & Genomic Pathology, Hong Kong Children's Hospital
Classification: Likely pathogenic for ACCES syndrome. Last evaluated: 2025-06-05. Review status: criteria provided, single submitter. Criteria: ACMG Guidelines, 2015. Collection method: clinical testing. Allele origin: germline. Affected: yes.
Comment: UBA2 c.1393C>T p.(Gln465*) is a nonsense variant located in the exon 13 (out of 17 exons). This variant is predicted to cause loss of normal protein function either by protein truncation or nonsense-mediated mRNA decay. The variant is absent from control populations (gnomAD v2.1.1 and v4.1.0). It has not been reported in the Human Gene Mutation Database (HGMD, v2025.1) or ClinVar. From population data, the UBA2 gene is predicted to be intolerant to loss-of-function variation, and loss-of-function variants in UBA2 are known to be disease-causing (PMID: 34040189, 34159400). For these reasons, this variant is classified as likely pathogenic.

Literature cited by the submitters: PubMed 34040189; PubMed 34159400.

NM_005499.3(UBA2):c.1393C>T (p.Gln465Ter)

Gene: UBA2 (ubiquitin like modifier activating enzyme 2; plus strand). Cytogenetic location: 19q13.11.
Variant type: single nucleotide variant.
Coding change: c.1393C>T on transcript NM_005499.3 (MANE Select); coding-DNA position 1393, C replaced by T.
Protein change: p.Gln465Ter; replaces glutamine 465 with a stop codon.
Molecular consequence: nonsense.
Genome position (GRCh38, 1-based): chr19:34,458,916, C>T. VCF-style: chr19-34458916-C-T. GRCh37 (hg19) VCF-style: chr19-34949821-C-T.
Other names: c.1105C>T, p.Gln369Ter (NM_001411139.1); short protein forms Q369*, Q465*.
Identifiers: ClinVar variation 4884418 (VCV004884418.1).
Genomic context (GRCh38, chr19:34,458,916, plus strand): 5'-GCCAGCAAGCCAGAGGTGACTGTGCGGCTGAATGTCCATAAAGTGACTGTTCTCACCTTA[C>T]AAGACAAGGTCAGTGCAAGGCCTGGGTCTCTTTTCCTTTTGCTTTTACAGTATTACTGTG-3'